The following is an entry in ClinVar:

ClinVar aggregate classification (germline): Uncertain significance (1 of 4 stars; one submission).

Conditions:
Renal tubular acidosis, distal, 3, with or without sensorineural hearing loss (DRTA3). Identifiers: MedGen C5399980, MONDO:0011268, OMIM 602722.

Submission:

Neuberg Centre For Genomic Medicine, NCGM
Classification: Uncertain significance for Renal tubular acidosis, distal, 3, with or without sensorineural hearing loss. Review status: criteria provided, single submitter. Criteria: ACMG Guidelines, 2015. Collection method: clinical testing. Allele origin: germline. Inheritance: Autosomal recessive inheritance. Affected: yes.
Comment: The in-frame deletion p.F446del in ATP6V0A4 (NM_020632.3) has not been reported previously as a pathogenic variant nor as a benign variant, to our knowledge. The p.F446del variant is novel (not in any individuals) in gnomAD Exomes and is novel (not in any individuals) in 1000 Genomes. This variant results in a deletion of a phenylalanine at position 446 of the ATP6V0A4 gene. However, as this is an in-frame deletion, it is not expected to result in either a truncated protein product or loss of protein through nonsense-mediated mRNA decay. The p.F446del variant is not in a repeat region. The p.F446del variant results in a deletion of 3 bases that are predicted conserved by GERP++ and PhyloP. The nucleotide c.1336 in ATP6V0A4 is predicted conserved by GERP++ and PhyloP across 100 vertebrates. For these reasons, this variant has been classified as Uncertain Significance.

NM_020632.3(ATP6V0A4):c.1333TTC[1] (p.Phe446del)

Gene: ATP6V0A4 (ATPase H+ transporting V0 subunit a4; minus strand). Cytogenetic location: 7q34.
Variant type: Microsatellite.
Coding change: c.1333TTC[1] on transcript NM_020632.3 (MANE Select); one copy of the 3-base unit TTC starting at c.1333; the reference has two copies in a row; one copy, 3 bases deleted.
Protein change: p.Phe446del; deletes phenylalanine 446.
Molecular consequence: inframe deletion.
Genome position (GRCh38, 1-based): chr7:138,745,263-138,745,265, GAA deleted on the plus strand (TTC on the coding strand, the reverse complement: ATP6V0A4 is on the minus strand); deleting any 3 consecutive bases within chr7:138,745,263-138,745,269 gives the same sequence; the position shown is the placement nearest the transcript's 3' end. VCF-style (leftmost placement, unchanged base first): chr7-138745262-GGAA-G. GRCh37 (hg19) VCF-style: chr7-138430007-GGAA-G.
Other names: c.1333TTC[1], p.Phe446del (NM_130840.3, NM_130841.3); short protein forms F446del.
Identifiers: ClinVar variation 2627462 (VCV002627462.1), dbSNP rs1805856050, ClinGen allele CA1746782683.